The following is an entry in ClinVar:

ClinVar aggregate classification (germline): Uncertain significance (1 of 4 stars; one submission).

Submission:

CeGaT Center for Human Genetics Tuebingen
Classification: Uncertain significance. Last evaluated: 2025-06-01. Review status: criteria provided, single submitter. Criteria: CeGaT Center For Human Genetics Tuebingen Variant Classification Criteria Version 2. Collection method: clinical testing. Allele origin: germline. Affected: yes. Observed: 1 variant allele.
Comment: NLGN3: PM2

NM_181303.2(NLGN3):c.1940T>G (p.Val647Gly)

Gene: NLGN3 (neuroligin 3; plus strand). Cytogenetic location: Xq13.1.
Variant type: single nucleotide variant.
Coding change: c.1940T>G on transcript NM_181303.2 (MANE Select); coding-DNA position 1940, T replaced by G.
Protein change: p.Val647Gly; replaces valine 647 with glycine.
Molecular consequence: missense variant.
Genome position (GRCh38, 1-based): chrX:71,169,490, T>G. VCF-style: chrX-71169490-T-G. GRCh37 (hg19) VCF-style: chrX-70389340-T-G.
Other names: c.1820T>G, p.Val607Gly (NM_001166660.2); c.1529T>G, p.Val510Gly (NM_001321276.2); c.1880T>G, p.Val627Gly (NM_018977.4); short protein forms V510G, V607G, V627G, V647G.
Identifiers: ClinVar variation 3905999 (VCV003905999.10).
Genomic context (GRCh38, chrX:71,169,490, plus strand): 5'-TGGTGCCCCACCTATACAACCTGCATGACATGTTCCACTATACGTCCACCACCACCAAAG[T>G]GCCGCCTCCGGATACCACCCACAGCTCCCACATCACCCGCAGGCCCAATGGCAAGACCTG-3'
Protein context (NP_851820.1, residues 637-657): MFHYTSTTTK[Val647Gly]PPPDTTHSSH